The following is an entry in ClinVar:

NC_000004.11:g.(88940724_88957371)_(88957506_88959402)del

Gene: PKD2 (polycystin 2, transient receptor potential cation channel; plus strand). Cytogenetic location: 4q22.1.
Variant type: Deletion.
Identifiers: ClinVar variation 1878240 (VCV001878240.1).

ClinVar aggregate classification (germline): Likely pathogenic (1 of 4 stars; one submission).

Conditions:
Polycystic kidney disease 2 (PKD2). Also called: POLYCYSTIC KIDNEY DISEASE, ADULT, TYPE II; Polycystic Kidney Disease 2, Autosomal Dominant; POLYCYSTIC KIDNEY DISEASE 2 WITH OR WITHOUT POLYCYSTIC LIVER DISEASE. Identifiers: MedGen C2751306, MONDO:0013131, OMIM 613095.

Submission:

Women's Health and Genetics/Laboratory Corporation of America, LabCorp
Classification: Likely pathogenic for Polycystic kidney disease 2. Last evaluated: 2022-12-08. Review status: criteria provided, single submitter. Criteria: LabCorp Variant Classification Summary - May 2015. Collection method: clinical testing. Allele origin: germline.
Comment: Variant summary: The variant identified by MLPA or other technology involves the deletion of exon 3 in the PKD2 gene. A presumed nomenclature of c.(709+1_710-1)_(843+1_844-1)del has been designated for the purposes of this classification. Although exact breakpoints of this deletion are not known, it is expected to result in a frameshift in the PKD2 gene, a known mechanism of disease. The variant was absent in 21694 control chromosomes in the gnomAD database (structural variants data set). c.(709+1_710-1)_(843+1_844-1)del has been reported in the literature in at-least one individual affected with autosomal dominant polycystic kidney disease (example: Mallawaarachchi_2016). To our knowledge, no experimental evidence demonstrating an impact on protein function has been reported. No clinical diagnostic laboratories have submitted clinical-significance assessments for this variant to ClinVar after 2014. Based on the evidence outlined above, the variant was classified as likely pathogenic.

Literature cited by the submitters: PubMed 27165007.